The following is an entry in ClinVar:

ClinVar aggregate classification (germline): Benign/Likely benign. Review status: criteria provided, multiple submitters, no conflicts (2 of 4 stars). 6 submissions from 6 submitters: Benign (1); Likely benign (4). 1 of the submissions does not count toward it. Last evaluated 2026-08-01.

Conditions:
Age related macular degeneration 1 (ARMD1). Also called: MACULOPATHY, AGE-RELATED, 1. Identifiers: MedGen C1864205, MONDO:0011285, OMIM 603075.
HMCN1-related disorder. Also called: HMCN1-related condition.

Allele frequency attached by ClinVar (database versions not stated): ESP Exome Variant Server 0.00008; gnomAD exomes 0.00010 and 0.00030; gnomAD 0.00016 and 0.00020; TOPMed 0.00020; ExAC 0.00025; 1000 Genomes Project 30x 0.00078; 1000 Genomes Project 0.00100.
gnomAD v4.1: 180 of 1,613,036 alleles (0.011%); highest among the groups gnomAD compares: East Asian, 0.27%; no homozygotes.

Submissions (6):

CeGaT Center for Human Genetics Tuebingen
Classification: Likely benign. Last evaluated: 2026-08-01. Review status: criteria provided, single submitter. Criteria: CeGaT Center For Human Genetics Tuebingen Variant Classification Criteria Version 2. Collection method: clinical testing. Allele origin: germline. Affected: yes. Observed: 1 variant allele.
Comment: HMCN1: BP4, BS1

Labcorp Genetics (formerly Invitae), Labcorp
Classification: Benign. Last evaluated: 2025-11-27. Review status: criteria provided, single submitter. Criteria: Invitae Variant Classification Sherloc (09022015). Collection method: clinical testing. Allele origin: germline.

Blueprint Genetics
Classification: Likely benign. Last evaluated: 2024-04-10. Review status: criteria provided, single submitter. Criteria: ACMG Guidelines, 2015. Collection method: clinical testing. Allele origin: germline.

Genome-Nilou Lab
Classification: Likely benign for Age related macular degeneration 1. Last evaluated: 2023-04-11. Review status: criteria provided, single submitter. Criteria: ACMG Guidelines, 2015. Collection method: clinical testing. Allele origin: germline. Affected: no.

Illumina Laboratory Services, Illumina
Classification: Likely benign for Age related macular degeneration 1. Last evaluated: 2018-01-13. Review status: criteria provided, single submitter. Criteria: ICSL Variant Classification Criteria 13 December 2019. Collection method: clinical testing. Allele origin: germline.
Comment: This variant was observed in the ICSL laboratory as part of a predisposition screen in an ostensibly healthy population. It had not been previously curated by ICSL or reported in the Human Gene Mutation Database (HGMD: prior to June 1st, 2018), and was therefore a candidate for classification through an automated scoring system. Utilizing variant allele frequency, disease prevalence and penetrance estimates, and inheritance mode, an automated score was calculated to assess if this variant is too frequent to cause the disease. Based on the score and internal cut-off values, a variant classified as likely benign is not then subjected to further curation. The score for this variant resulted in a classification of likely benign for this disease.

PreventionGenetics, part of Exact Sciences
Classification: Likely benign for HMCN1-related condition. Last evaluated: 2019-05-01. Review status: no assertion criteria provided. Collection method: clinical testing. Allele origin: germline. Not counted in ClinVar's aggregate classification.
Comment: This variant is classified as likely benign based on ACMG/AMP sequence variant interpretation guidelines (Richards et al. 2015 PMID: 25741868, with internal and published modifications).

NM_031935.3(HMCN1):c.9888-5C>T

Gene: HMCN1 (hemicentin 1; plus strand). Cytogenetic location: 1q31.1.
Variant type: single nucleotide variant.
Coding change: c.9888-5C>T on transcript NM_031935.3 (MANE Select); 5 bases into the intron before coding-DNA position 9888, C replaced by T.
Molecular consequence: intron variant.
Genome position (GRCh38, 1-based): chr1:186,093,129, C>T. VCF-style: chr1-186093129-C-T. GRCh37 (hg19) VCF-style: chr1-186062261-C-T.
Identifiers: ClinVar variation 294216 (VCV000294216.17), dbSNP rs142970299, ClinGen allele CA1293585.